The following is an entry in ClinVar:

ClinVar aggregate classification (germline): Uncertain significance (1 of 4 stars; one submission).

Conditions:
KBG syndrome (KBGS). Also called: ANKRD11-Related KBG Syndrome. Identifiers: Orphanet 2332, MedGen C0220687, MONDO:0007846, OMIM 148050.

gnomAD v4.1: 26 of 1,614,202 alleles (0.0016%); highest among the groups gnomAD compares: Non-Finnish European, 0.0022%; no homozygotes.

Submission:

Labcorp Genetics (formerly Invitae), Labcorp
Classification: Uncertain significance for KBG syndrome. Last evaluated: 2025-09-08. Review status: criteria provided, single submitter. Criteria: Invitae Variant Classification Sherloc (09022015). Collection method: clinical testing. Allele origin: germline.
Comment: This sequence change replaces glycine, which is neutral and non-polar, with aspartic acid, which is acidic and polar, at codon 1673 of the ANKRD11 protein (p.Gly1673Asp). This variant is not present in population databases (gnomAD no frequency). This variant has not been reported in the literature in individuals affected with ANKRD11-related conditions. Invitae Evidence Modeling of protein sequence and biophysical properties (such as structural, functional, and spatial information, amino acid conservation, physicochemical variation, residue mobility, and thermodynamic stability) indicates that this missense variant is not expected to disrupt ANKRD11 protein function with a negative predictive value of 95%. In summary, the available evidence is currently insufficient to determine the role of this variant in disease. Therefore, it has been classified as a Variant of Uncertain Significance.

NM_013275.6(ANKRD11):c.5018G>A (p.Gly1673Asp)

Gene: ANKRD11 (ankyrin repeat domain 11; minus strand). Cytogenetic location: 16q24.3.
Variant type: single nucleotide variant.
Coding change: c.5018G>A on transcript NM_013275.6 (MANE Select); coding-DNA position 5018, G replaced by A.
Protein change: p.Gly1673Asp; replaces glycine 1673 with aspartic acid.
Molecular consequence: missense variant.
Genome position (GRCh38, 1-based): chr16:89,281,524, C>T on the plus strand (G>A on the coding strand, the complement: ANKRD11 is on the minus strand). VCF-style: chr16-89281524-C-T. GRCh37 (hg19) VCF-style: chr16-89347932-C-T.
Other names: c.5018G>A, p.Gly1673Asp (NM_001256182.2, NM_001256183.2); short protein forms G1673D.
Identifiers: ClinVar variation 4743962 (VCV004743962.1).